The following is an entry in ClinVar:

NM_025000.4(DCAF17):c.579C>A (p.Phe193Leu)

Gene: DCAF17 (DDB1 and CUL4 associated factor 17; plus strand). Cytogenetic location: 2q31.1.
Variant type: single nucleotide variant.
Coding change: c.579C>A on transcript NM_025000.4 (MANE Select); coding-DNA position 579, C replaced by A.
Protein change: p.Phe193Leu; replaces phenylalanine 193 with leucine.
Molecular consequence: missense variant. On other transcripts: non-coding transcript variant (1).
Genome position (GRCh38, 1-based): chr2:171,453,165, C>A. VCF-style: chr2-171453165-C-A. GRCh37 (hg19) VCF-style: chr2-172309675-C-A.
Other names: c.579C>A, p.Phe193Leu (NM_001164821.2); short protein forms F193L.
Identifiers: ClinVar variation 332266 (VCV000332266.18), dbSNP rs150095386, ClinGen allele CA1964721.

ClinVar aggregate classification (germline): Conflicting classifications of pathogenicity. Review status: criteria provided, conflicting classifications (1 of 4 stars). 5 submissions from 5 submitters: Uncertain significance (2); Likely benign (2). 1 of the submissions does not count toward it. Last evaluated 2026-05-11.

Conditions:
DCAF17-related disorder. Also called: DCAF17-related condition.
Woodhouse-Sakati syndrome. Also called: Hypogonadism, Alopecia, Diabetes Mellitus, Mental Retardation, and Extrapyramidal Syndrome; Hypogonadism, diabetes mellitus, alopecia, mental retardation and electrocardiographic abnormalities; EXTRAPYRAMIDAL DISORDER, PROGRESSIVE, WITH PRIMARY HYPOGONADISM, MENTAL RETARDATION, AND ALOPECIA. Identifiers: Orphanet 3464, MedGen C0342286, MONDO:0009419, OMIM 241080.

Allele frequency attached by ClinVar (database versions not stated): gnomAD 0.00008 and 0.00015; TOPMed 0.00014; gnomAD exomes 0.00017 and 0.00045; ExAC 0.00047; 1000 Genomes Project 0.00120; 1000 Genomes Project 30x 0.00172.
gnomAD v4.1: 261 of 1,613,198 alleles (0.016%); highest among the groups gnomAD compares: East Asian, 0.31%; no homozygotes.

Submissions (5):

GeneDx
Classification: Uncertain significance. Last evaluated: 2026-05-11. Review status: criteria provided, single submitter. Criteria: GeneDx Variant Classification Process June 2021. Collection method: clinical testing. Allele origin: germline.
Comment: Reported in a patient with isolated hypogonadotropic hypogonadism and hyposomia, however a second DCAF17 variant was not identified (PMID: 30098700); In silico analysis supports that this missense variant has a deleterious effect on protein structure/function; This variant is associated with the following publications: (PMID: 25668207, 30098700)

Labcorp Genetics (formerly Invitae), Labcorp
Classification: Likely benign for Woodhouse-Sakati syndrome. Last evaluated: 2026-01-26. Review status: criteria provided, single submitter. Criteria: Invitae Variant Classification Sherloc (09022015). Collection method: clinical testing. Allele origin: germline.

Blueprint Genetics
Classification: Uncertain significance. Last evaluated: 2023-12-19. Review status: criteria provided, single submitter. Criteria: ACMG Guidelines, 2015. Collection method: clinical testing. Allele origin: germline.

Illumina Laboratory Services, Illumina
Classification: Likely benign for Woodhouse-Sakati syndrome. Last evaluated: 2018-01-12. Review status: criteria provided, single submitter. Criteria: ICSL Variant Classification Criteria 13 December 2019. Collection method: clinical testing. Allele origin: germline.
Comment: This variant was observed in the ICSL laboratory as part of a predisposition screen in an ostensibly healthy population. It had not been previously curated by ICSL or reported in the Human Gene Mutation Database (HGMD: prior to June 1st, 2018), and was therefore a candidate for classification through an automated scoring system. Utilizing variant allele frequency, disease prevalence and penetrance estimates, and inheritance mode, an automated score was calculated to assess if this variant is too frequent to cause the disease. Based on the score and internal cut-off values, a variant classified as likely benign is not then subjected to further curation. The score for this variant resulted in a classification of likely benign for this disease.

PreventionGenetics, part of Exact Sciences
Classification: Likely benign for DCAF17-related condition. Last evaluated: 2022-12-14. Review status: no assertion criteria provided. Collection method: clinical testing. Allele origin: germline. Not counted in ClinVar's aggregate classification.
Comment: This variant is classified as likely benign based on ACMG/AMP sequence variant interpretation guidelines (Richards et al. 2015 PMID: 25741868, with internal and published modifications).